The following is an entry in ClinVar:

NM_020987.5(ANK3):c.114+8T>C

Gene: ANK3 (ankyrin 3; minus strand). Cytogenetic location: 10q21.2.
Variant type: single nucleotide variant.
Coding change: c.114+8T>C on transcript NM_020987.5 (MANE Select); 8 bases into the intron after coding-DNA position 114, T replaced by C.
Molecular consequence: intron variant.
Genome position (GRCh38, 1-based): chr10:60,389,417, A>G on the plus strand (T>C on the coding strand, the complement: ANK3 is on the minus strand). VCF-style: chr10-60389417-A-G. GRCh37 (hg19) VCF-style: chr10-62149175-A-G.
Other names: c.97-109778T>C (NM_001204403.2); c.64-109778T>C (NM_001204404.2); c.114+8T>C (NM_001320874.2).
Identifiers: ClinVar variation 3053735 (VCV003053735.2), dbSNP rs778904167, ClinGen allele CA5513544.

ClinVar aggregate classification (germline): Likely benign (0 of 4 stars; one submission).

Conditions:
ANK3-related disorder. Also called: ANK3-related condition.

Allele frequency attached by ClinVar (database versions not stated): TOPMed below 0.00001; ExAC 0.00002; gnomAD exomes 0.00002.
gnomAD v4.1: 24 of 1,613,368 alleles (0.0015%); highest among the groups gnomAD compares: South Asian, 0.0055%; no homozygotes.

Submission:

PreventionGenetics, part of Exact Sciences
Classification: Likely benign for ANK3-related condition. Last evaluated: 2019-08-27. Review status: no assertion criteria provided. Collection method: clinical testing. Allele origin: germline.
Comment: This variant is classified as likely benign based on ACMG/AMP sequence variant interpretation guidelines (Richards et al. 2015 PMID: 25741868, with internal and published modifications).